The following is an entry in ClinVar:

ClinVar aggregate classification (germline): Likely benign (1 of 4 stars; one submission).

Submission:

CeGaT Center for Human Genetics Tuebingen
Classification: Likely benign. Last evaluated: 2026-08-01. Review status: criteria provided, single submitter. Criteria: CeGaT Center For Human Genetics Tuebingen Variant Classification Criteria Version 2. Collection method: clinical testing. Allele origin: germline. Affected: yes. Observed: 1 variant allele.
Comment: KRTAP10-4: BP4, BP7

NM_198687.2(KRTAP10-4):c.264G>A (p.Ser88=)

Genes: KRTAP10-4 (keratin associated protein 10-4; plus strand), TSPEAR (thrombospondin type laminin G domain and EAR repeats; minus strand). Cytogenetic location: 21q22.3.
Variant type: single nucleotide variant.
Coding change: c.264G>A on transcript NM_198687.2 (MANE Select); coding-DNA position 264, G replaced by A.
Protein change: p.Ser88=; no amino-acid change (serine 88 retained).
Molecular consequence: synonymous variant. On other transcripts: intron variant (2).
Genome position (GRCh38, 1-based): chr21:44,574,022, G>A. VCF-style: chr21-44574022-G-A. GRCh37 (hg19) VCF-style: chr21-45993899-G-A.
Other names: c.83-6017C>T (NM_144991.3); c.-122-6017C>T (NM_001272037.2).
Identifiers: ClinVar variation 5038587 (VCV005038587.1).